The following is an entry in ClinVar:

NM_000426.4(LAMA2):c.7536C>T (p.Pro2512=)

Gene: LAMA2 (laminin subunit alpha 2; plus strand). Cytogenetic location: 6q22.33.
Variant type: single nucleotide variant.
Coding change: c.7536C>T on transcript NM_000426.4 (MANE Select); coding-DNA position 7536, C replaced by T.
Protein change: p.Pro2512=; no amino-acid change (proline 2512 retained).
Molecular consequence: synonymous variant.
Genome position (GRCh38, 1-based): chr6:129,478,777, C>T. VCF-style: chr6-129478777-C-T. GRCh37 (hg19) VCF-style: chr6-129799922-C-T.
Other names: c.7524C>T, p.Pro2508= (NM_001079823.2).
Identifiers: ClinVar variation 390370 (VCV000390370.9), dbSNP rs778297793, ClinGen allele CA3994595.

ClinVar aggregate classification (germline): Likely benign. Review status: criteria provided, multiple submitters, no conflicts (2 of 4 stars). 2 submissions from 2 submitters: Likely benign (2). Last evaluated 2024-07-06.

Conditions:
LAMA2-related muscular dystrophy (LAMA2-RD). Also called: Laminin alpha 2-related dystrophy. Identifiers: MedGen C5679788, MONDO:0100228.

Allele frequency attached by ClinVar (database versions not stated): gnomAD exomes below 0.00001 and 0.00001; ExAC 0.00001.
gnomAD v4.1: 10 of 1,612,706 alleles (0.00062%); highest among the groups gnomAD compares: South Asian, 0.0011%; no homozygotes.

Submissions (2):

Labcorp Genetics (formerly Invitae), Labcorp
Classification: Likely benign for LAMA2-related muscular dystrophy. Last evaluated: 2024-07-06. Review status: criteria provided, single submitter. Criteria: Invitae Variant Classification Sherloc (09022015). Collection method: clinical testing. Allele origin: germline.

GeneDx
Classification: Likely benign. Last evaluated: 2016-11-07. Review status: criteria provided, single submitter. Criteria: GeneDx Variant Classification (06012015). Collection method: clinical testing. Allele origin: germline. Affected: yes.
Comment: This variant is considered likely benign or benign based on one or more of the following criteria: it is a conservative change, it occurs at a poorly conserved position in the protein, it is predicted to be benign by multiple in silico algorithms, and/or has population frequency not consistent with disease.